The following is an entry in ClinVar:

NM_000426.4(LAMA2):c.2003del (p.Pro668fs)

Gene: LAMA2 (laminin subunit alpha 2; plus strand). Cytogenetic location: 6q22.33.
Variant type: Deletion.
Coding change: c.2003del on transcript NM_000426.4 (MANE Select); coding-DNA position 2003, one base deleted (C; older notation c.2003delC).
Protein change: p.Pro668fs; shifts the reading frame from proline 668.
Molecular consequence: frameshift variant.
Genome position (GRCh38, 1-based): chr6:129,252,202, C deleted; the last of 2 consecutive C bases (chr6:129,252,201-129,252,202); deleting either gives the same sequence. VCF-style (leftmost placement, unchanged base first): chr6-129252200-TC-T. GRCh37 (hg19) VCF-style: chr6-129573345-TC-T.
Other names: c.2003del, p.Pro668fs (NM_001079823.2); short protein forms P668fs.
Identifiers: ClinVar variation 5015667 (VCV005015667.1).

ClinVar aggregate classification (germline): Pathogenic (1 of 4 stars; one submission).

Conditions:
LAMA2-related muscular dystrophy (LAMA2-RD). Also called: Laminin alpha 2-related dystrophy. Identifiers: MedGen C5679788, MONDO:0100228.

Submission:

Myriad Genetics, Inc.
Classification: Pathogenic for LAMA2-related muscular dystrophy. Last evaluated: 2026-03-11. Review status: criteria provided, single submitter. Criteria: Myriad Autosomal Dominant, Autosomal Recessive and X-Linked Classification Criteria (2023). Collection method: clinical testing. Allele origin: unknown.
Comment: NM_000426.3(LAMA2):c.2003delC(P668Qfs*8) is expected to be pathogenic in the context of muscular dystrophy, LAMA2-related. This variant is predicted to lead to an abnormal or absent protein product due to the creation of a premature termination codon in LAMA2, a gene where loss-of-function variants are known to be pathogenic. Please note: this variant was assessed in the context of healthy population screening.